The following is an entry in ClinVar:

NM_001017980.4(VMA21):c.164-7T>A

Gene: VMA21 (vacuolar ATPase assembly factor VMA21; plus strand). Cytogenetic location: Xq28.
Variant type: single nucleotide variant.
Coding change: c.164-7T>A on transcript NM_001017980.4 (MANE Select); 7 bases into the intron before coding-DNA position 164, T replaced by A.
Molecular consequence: intron variant.
Genome position (GRCh38, 1-based): chrX:151,404,909, T>A. VCF-style: chrX-151404909-T-A. GRCh37 (hg19) VCF-style: chrX-150573381-T-A.
Other names: c.329-7T>A (NM_001363810.1).
Identifiers: ClinVar variation 4293513 (VCV004293513.1).

ClinVar aggregate classification (germline): Uncertain significance (1 of 4 stars; one submission).

Conditions:
X-linked myopathy with excessive autophagy (AVM). Also called: Vacuolar myopathy; Autophagic vacuolar myopathy. Identifiers: Orphanet 25980, MedGen C1839615, MONDO:0010684, OMIM 310440.

Submission:

3billion
Classification: Uncertain significance for X-linked myopathy with excessive autophagy. Last evaluated: 2024-11-19. Review status: criteria provided, single submitter. Criteria: ACMG Guidelines, 2015. Collection method: clinical testing. Allele origin: germline. Affected: yes.
Comment: The variant is not observed in the gnomAD v4.1.0 dataset. Predicted Consequence/Location: Intron variant In silico tools predict the variant to alter splicing and produce an abnormal transcript [SpliceAI: 0.39 (>=0.2, moderate evidence for spliceogenicity)]. Therefore, this variant is classified as VUS according to the recommendation of ACMG/AMP guideline.